The following is an entry in ClinVar:

NM_001130144.3(LTBP3):c.2449C>G (p.Leu817Val)

Gene: LTBP3 (latent transforming growth factor beta binding protein 3; minus strand). Cytogenetic location: 11q13.1.
Variant type: single nucleotide variant.
Coding change: c.2449C>G on transcript NM_001130144.3 (MANE Select); coding-DNA position 2449, C replaced by G.
Protein change: p.Leu817Val; replaces leucine 817 with valine.
Molecular consequence: missense variant.
Genome position (GRCh38, 1-based): chr11:65,543,454, G>C on the plus strand (C>G on the coding strand, the complement: LTBP3 is on the minus strand). VCF-style: chr11-65543454-G-C. GRCh37 (hg19) VCF-style: chr11-65310925-G-C.
Other names: c.2098C>G, p.Leu700Val (NM_001164266.1); c.2449C>G, p.Leu817Val (NM_021070.4); short protein forms L700V, L817V.
Identifiers: ClinVar variation 1524427 (VCV001524427.6), dbSNP rs2135131479, ClinGen allele CA381269248.

ClinVar aggregate classification (germline): Uncertain significance (1 of 4 stars; one submission).

Conditions:
Brachyolmia-amelogenesis imperfecta syndrome. Also called: Tooth agenesis, selective, 6; Dental anomalies and short stature; PLATYSPONDYLY WITH AMELOGENESIS IMPERFECTA. Identifiers: Orphanet 2899, MedGen C1832594, MONDO:0011018, OMIM 601216. Disease mechanism: loss of function.

Allele frequency attached by ClinVar (database versions not stated): gnomAD exomes below 0.00001.
gnomAD v4.1: 2 of 1,614,152 alleles (0.00012%); highest among the groups gnomAD compares: Non-Finnish European, 0.00017%; no homozygotes.

Submission:

Labcorp Genetics (formerly Invitae), Labcorp
Classification: Uncertain significance for Brachyolmia-amelogenesis imperfecta syndrome. Last evaluated: 2021-08-05. Review status: criteria provided, single submitter. Criteria: Invitae Variant Classification Sherloc (09022015). Collection method: clinical testing. Allele origin: germline.
Comment: This sequence change replaces leucine with valine at codon 817 of the LTBP3 protein (p.Leu817Val). The leucine residue is moderately conserved and there is a small physicochemical difference between leucine and valine. In summary, the available evidence is currently insufficient to determine the role of this variant in disease. Therefore, it has been classified as a Variant of Uncertain Significance. Algorithms developed to predict the effect of missense changes on protein structure and function (SIFT, PolyPhen-2, Align-GVGD) all suggest that this variant is likely to be tolerated. This variant has not been reported in the literature in individuals affected with LTBP3-related conditions. This variant is not present in population databases (ExAC no frequency).